The following is an entry in ClinVar:

NM_004304.5(ALK):c.3787G>A (p.Gly1263Arg)

Gene: ALK (ALK receptor tyrosine kinase; minus strand). Cytogenetic location: 2p23.2.
Variant type: single nucleotide variant.
Coding change: c.3787G>A on transcript NM_004304.5 (MANE Select); coding-DNA position 3787, G replaced by A.
Protein change: p.Gly1263Arg; replaces glycine 1263 with arginine.
Molecular consequence: missense variant.
Genome position (GRCh38, 1-based): chr2:29,209,835, C>T on the plus strand (G>A on the coding strand, the complement: ALK is on the minus strand). VCF-style: chr2-29209835-C-T. GRCh37 (hg19) VCF-style: chr2-29432701-C-T.
Other names: c.583G>A, p.Gly195Arg (NM_001353765.2); short protein forms G195R, G1263R.
Identifiers: ClinVar variation 2747259 (VCV002747259.4), dbSNP rs2148155223, ClinGen allele CA346469709.
Genomic context (GRCh38, chr2:29,209,835, plus strand): 5'-TCTTTACTCACCTGTAGATGTCTCGGGCCATCCCGAAGTCTCCAATCTTGGCCACTCTTC[C>T]AGGGCCTGGACAGGTCAAGAGGCAGTTTCTGGCAGCAATGTCTCTGGGAAGAAAGGAAAT-3'
Protein context (NP_004295.2, residues 1253-1273): RNCLLTCPGP[Gly1263Arg]RVAKIGDFGM

ClinVar aggregate classification (germline): Uncertain significance. Review status: criteria provided, multiple submitters, no conflicts (2 of 4 stars). 2 submissions from 2 submitters: Uncertain significance (2). Last evaluated 2026-01-01.

Conditions:
Neuroblastoma, susceptibility to, 3. Also called: ALK-Related Neuroblastic Tumor Susceptibility. Identifiers: Orphanet 635, MedGen C2751681, MONDO:0013083, OMIM 613014.

Allele frequency attached by ClinVar (database versions not stated): gnomAD exomes below 0.00001.
gnomAD v4.1: 3 of 1,614,182 alleles (0.00019%); highest among the groups gnomAD compares: Non-Finnish European, 0.00017%; no homozygotes.

Submissions (2):

Labcorp Genetics (formerly Invitae), Labcorp
Classification: Uncertain significance for Neuroblastoma, susceptibility to, 3. Last evaluated: 2026-01-01. Review status: criteria provided, single submitter. Criteria: Invitae Variant Classification Sherloc (09022015). Collection method: clinical testing. Allele origin: germline.
Comment: This sequence change replaces glycine, which is neutral and non-polar, with arginine, which is basic and polar, at codon 1263 of the ALK protein (p.Gly1263Arg). This variant is not present in population databases (gnomAD no frequency). This variant has not been reported in the literature in individuals affected with ALK-related conditions. ClinVar contains an entry for this variant (Variation ID: 2747259). An algorithm developed to predict the effect of missense changes on protein structure and function (PolyPhen-2) suggests that this variant is likely to be disruptive. In summary, the available evidence is currently insufficient to determine the role of this variant in disease. Therefore, it has been classified as a Variant of Uncertain Significance.

Baylor Genetics
Classification: Uncertain significance for Neuroblastoma, susceptibility to, 3. Last evaluated: 2024-02-23. Review status: criteria provided, single submitter. Criteria: ACMG Guidelines, 2015. Collection method: clinical testing. Allele origin: unknown.